The following is an entry in ClinVar:

ClinVar aggregate classification (germline): Likely benign (1 of 4 stars; one submission).

Submission:

GeneDx
Classification: Likely benign. Last evaluated: 2021-06-22. Review status: criteria provided, single submitter. Criteria: GeneDx Variant Classification Process June 2021. Collection method: clinical testing. Allele origin: germline. Affected: yes.
Comment: See Variant Classification Assertion Criteria.

NM_004360.5(CDH1):c.1937-145_1937-144dup

Gene: CDH1 (cadherin 1; plus strand). Cytogenetic location: 16q22.1.
Variant type: Duplication.
Coding change: c.1937-145_1937-144dup on transcript NM_004360.5 (MANE Select); 145 bases into the intron before coding-DNA position 1937 through 144 bases into the intron before coding-DNA position 1937, 2 bases duplicated (AA; older notation c.1937-145_1937-144dupAA).
Molecular consequence: intron variant.
Genome position (GRCh38, 1-based): chr16:68,823,254-68,823,255, AA duplicated; duplicating any 2 consecutive bases within chr16:68,823,238-68,823,255 gives the same sequence; the c. name uses the placement nearest the transcript's 3' end. VCF-style (leftmost placement, unchanged base first): chr16-68823237-C-CAA. GRCh37 (hg19) VCF-style: chr16-68857140-C-CAA.
Other names: c.389-145_389-144dup (NM_001317185.2); c.-29-145_-29-144dup (NM_001317186.2); c.1754-145_1754-144dup (NM_001317184.2).
Identifiers: ClinVar variation 1686699 (VCV001686699.2), dbSNP rs146046879, ClinGen allele CA623574842.